The following is an entry in ClinVar:

NM_000059.4(BRCA2):c.8163T>C (p.Leu2721=)

Gene: BRCA2 (BRCA2 DNA repair associated; plus strand). Cytogenetic location: 13q13.1.
Variant type: single nucleotide variant.
Coding change: c.8163T>C on transcript NM_000059.4 (MANE Select); coding-DNA position 8163, T replaced by C.
Protein change: p.Leu2721=; no amino-acid change (leucine 2721 retained).
Molecular consequence: synonymous variant.
Genome position (GRCh38, 1-based): chr13:32,363,365, T>C. VCF-style: chr13-32363365-T-C. GRCh37 (hg19) VCF-style: chr13-32937502-T-C.
Identifiers: ClinVar variation 184856 (VCV000184856.25), dbSNP rs786201741, ClinGen allele CA025479.

ClinVar aggregate classification (germline): Likely benign. Review status: reviewed by expert panel (3 of 4 stars). 8 submissions from 8 submitters: Likely benign (1). 7 of the submissions do not count toward it. Last evaluated 2017-06-29.

Conditions:
Hereditary cancer-predisposing syndrome. Also called: Tumor predisposition; Hereditary Cancer Syndrome; Hereditary neoplastic syndrome; Neoplastic Syndromes, Hereditary. Identifiers: Orphanet 140162, MedGen C0027672, MeSH D009386, MONDO:0015356.
Hereditary breast ovarian cancer syndrome. Also called: Breast and ovarian cancer; Hereditary breast and ovarian cancer syndrome; Hereditary breast and ovarian cancer; BRCA1- and BRCA2-Associated Hereditary Breast and Ovarian Cancer; Hereditary breast and ovarian cancer syndrome (HBOC); Hereditary breast and/or ovarian cancer syndrome. Identifiers: Orphanet 145, MedGen C0677776, MeSH D061325, MONDO:0003582. Disease mechanism: loss of function.
Breast-ovarian cancer, familial, susceptibility to, 2 (BROVCA2). Also called: BRCA2 Hereditary Breast and Ovarian Cancer. Identifiers: Orphanet 145, MedGen C2675520, MONDO:0012933, OMIM 612555. Disease mechanism: loss of function.

Allele frequency attached by ClinVar (database versions not stated): gnomAD 0.00001 and 0.00002; TOPMed 0.00001.
gnomAD v4.1: 2 of 1,614,064 alleles (0.00012%); highest among the groups gnomAD compares: Admixed American, 0.0017%; no homozygotes.

Submissions (8):

Evidence-based Network for the Interpretation of Germline Mutant Alleles (ENIGMA)
Classification: Likely benign for Breast-ovarian cancer, familial, susceptibility to, 2. Last evaluated: 2017-06-29. Review status: reviewed by expert panel. Criteria: ENIGMA BRCA1/2 Classification Criteria (2017-06-29). Collection method: curation. Allele origin: germline.
Comment: Synonymous substitution variant, with low bioinformatic likelihood to result in a splicing aberration (Splicing prior probability 0.02).

Labcorp Genetics (formerly Invitae), Labcorp
Classification: Likely benign for Hereditary breast ovarian cancer syndrome. Last evaluated: 2025-10-01. Review status: criteria provided, single submitter. Criteria: Invitae Variant Classification Sherloc (09022015). Collection method: clinical testing. Allele origin: germline. Not counted in ClinVar's aggregate classification.

Quest Diagnostics Nichols Institute San Juan Capistrano
Classification: Likely benign. Last evaluated: 2025-07-22. Review status: criteria provided, single submitter. Criteria: Quest Diagnostics criteria. Collection method: clinical testing. Allele origin: unknown. Not counted in ClinVar's aggregate classification.

All of Us Research Program, National Institutes of Health
Classification: Likely benign for Breast-ovarian cancer, familial, susceptibility to, 2. Last evaluated: 2023-12-18. Review status: criteria provided, single submitter. Criteria: ACMG Guidelines, 2015. Collection method: clinical testing. Allele origin: germline. Inheritance: Autosomal dominant inheritance. Observed: 3 variant alleles, 3 heterozygotes. Not counted in ClinVar's aggregate classification.
Comment: This study involves interpretation of variants in research participants for the purpose of population health screening. Participant phenotype was not available at the time of variant classification. Additional details can be found in publication PMID: 35346344, PMCID: PMC8962531

Color Diagnostics, LLC DBA Color Health
Classification: Likely benign for Hereditary cancer-predisposing syndrome. Last evaluated: 2020-03-17. Review status: criteria provided, single submitter. Criteria: ACMG Guidelines, 2015. Collection method: clinical testing. Allele origin: germline. Not counted in ClinVar's aggregate classification.

Women's Health and Genetics/Laboratory Corporation of America, LabCorp
Classification: Likely benign. Last evaluated: 2019-09-03. Review status: criteria provided, single submitter. Criteria: LabCorp Variant Classification Summary - May 2015. Collection method: clinical testing. Allele origin: germline. Not counted in ClinVar's aggregate classification.

GeneDx
Classification: Likely benign. Last evaluated: 2018-07-11. Review status: criteria provided, single submitter. Criteria: GeneDx Variant Classification Process June 2021. Collection method: clinical testing. Allele origin: germline. Affected: yes. Not counted in ClinVar's aggregate classification.

Ambry Genetics
Classification: Likely benign for Hereditary cancer-predisposing syndrome. Last evaluated: 2015-09-29. Review status: criteria provided, single submitter. Criteria: Ambry Variant Classification Scheme 2023. Collection method: clinical testing. Allele origin: germline. Not counted in ClinVar's aggregate classification.

Literature cited by the submitters: PubMed 39779848 (cited by Quest Diagnostics Nichols Institute San Juan Capistrano).